The following is an entry in ClinVar:

ClinVar aggregate classification (germline): Uncertain significance (1 of 4 stars; one submission).

Submission:

Labcorp Genetics (formerly Invitae), Labcorp
Classification: Uncertain significance. Last evaluated: 2024-02-17. Review status: criteria provided, single submitter. Criteria: Invitae Variant Classification Sherloc (09022015). Collection method: clinical testing. Allele origin: germline.
Comment: This sequence change replaces glutamic acid, which is acidic and polar, with glycine, which is neutral and non-polar, at codon 154 of the KCNK4 protein (p.Glu154Gly). This variant is not present in population databases (gnomAD no frequency). This variant has not been reported in the literature in individuals affected with KCNK4-related conditions. An algorithm developed to predict the effect of missense changes on protein structure and function (PolyPhen-2) suggests that this variant is likely to be disruptive. In summary, the available evidence is currently insufficient to determine the role of this variant in disease. Therefore, it has been classified as a Variant of Uncertain Significance.

NM_033310.3(KCNK4):c.461A>G (p.Glu154Gly)

Genes: KCNK4 (potassium two pore domain channel subfamily K member 4; plus strand), KCNK4-CATSPERZ (KCNK4-CATSPERZ readthrough (NMD candidate); plus strand). Cytogenetic location: 11q13.1.
Variant type: single nucleotide variant.
Coding change: c.461A>G on transcript NM_033310.3 (MANE Select); coding-DNA position 461, A replaced by G.
Protein change: p.Glu154Gly; replaces glutamic acid 154 with glycine.
Molecular consequence: missense variant. On other transcripts: non-coding transcript variant (3).
Genome position (GRCh38, 1-based): chr11:64,297,266, A>G. VCF-style: chr11-64297266-A-G. GRCh37 (hg19) VCF-style: chr11-64064738-A-G.
Other names: c.461A>G, p.Glu154Gly (NM_001317090.2); short protein forms E154G.
Identifiers: ClinVar variation 3641660 (VCV003641660.2).